The following is an entry in ClinVar:

NM_182914.3(SYNE2):c.3767G>A (p.Arg1256His)

Gene: SYNE2 (spectrin repeat containing nuclear envelope protein 2; plus strand). Cytogenetic location: 14q23.2.
Variant type: single nucleotide variant.
Coding change: c.3767G>A on transcript NM_182914.3 (MANE Select); coding-DNA position 3767, G replaced by A.
Protein change: p.Arg1256His; replaces arginine 1256 with histidine.
Molecular consequence: missense variant.
Genome position (GRCh38, 1-based): chr14:64,002,062, G>A. VCF-style: chr14-64002062-G-A. GRCh37 (hg19) VCF-style: chr14-64468780-G-A.
Other names: c.3767G>A, p.Arg1256His (NM_015180.6); short protein forms R1256H.
Identifiers: ClinVar variation 313504 (VCV000313504.18), dbSNP rs183356628, ClinGen allele CA7220052.

ClinVar aggregate classification (germline): Benign/Likely benign. Review status: criteria provided, multiple submitters, no conflicts (2 of 4 stars). 5 submissions from 5 submitters: Benign (1); Likely benign (3). 1 of the submissions does not count toward it. Last evaluated 2025-08-16.

Conditions:
SYNE2-related disorder. Also called: SYNE2-related condition.
Emery-Dreifuss muscular dystrophy 5, autosomal dominant (EDMD5). Also called: EMERY-DREIFUSS MUSCULAR DYSTROPHY 5. Identifiers: Orphanet 261, MedGen C2751805, MONDO:0013072, OMIM 612999.

Allele frequency attached by ClinVar (database versions not stated): gnomAD exomes 0.00016; ExAC 0.00021; 1000 Genomes Project 0.00040; 1000 Genomes Project 30x 0.00047; gnomAD 0.00078 and 0.00084; TOPMed 0.00081; ESP Exome Variant Server 0.00092.
gnomAD v4.1: 188 of 1,612,666 alleles (0.012%); highest among the groups gnomAD compares: African/African-American, 0.23%; no homozygotes.

Submissions (5):

Labcorp Genetics (formerly Invitae), Labcorp
Classification: Likely benign for Emery-Dreifuss muscular dystrophy 5, autosomal dominant. Last evaluated: 2025-08-16. Review status: criteria provided, single submitter. Criteria: Invitae Variant Classification Sherloc (09022015). Collection method: clinical testing. Allele origin: germline.

Athena Diagnostics
Classification: Likely benign. Last evaluated: 2023-10-18. Review status: criteria provided, single submitter. Criteria: Athena Diagnostics Criteria. Collection method: clinical testing. Allele origin: unknown.

Revvity Omics, Revvity
Classification: Likely benign for Emery-Dreifuss muscular dystrophy 5, autosomal dominant. Last evaluated: 2023-06-30. Review status: criteria provided, single submitter. Criteria: ACMG Guidelines, 2015. Collection method: clinical testing. Allele origin: germline.

Illumina Laboratory Services, Illumina
Classification: Benign for Emery-Dreifuss muscular dystrophy 5, autosomal dominant. Last evaluated: 2018-01-13. Review status: criteria provided, single submitter. Criteria: ICSL Variant Classification Criteria 13 December 2019. Collection method: clinical testing. Allele origin: germline.
Comment: This variant was observed in the ICSL laboratory as part of a predisposition screen in an ostensibly healthy population. It had not been previously curated by ICSL or reported in the Human Gene Mutation Database (HGMD: prior to June 1st, 2018), and was therefore a candidate for classification through an automated scoring system. Utilizing variant allele frequency, disease prevalence and penetrance estimates, and inheritance mode, an automated score was calculated to assess if this variant is too frequent to cause the disease. Based on the score and internal cut-off values, a variant classified as benign is not then subjected to further curation. The score for this variant resulted in a classification of benign for this disease.

PreventionGenetics, part of Exact Sciences
Classification: Likely benign for SYNE2-related condition. Last evaluated: 2019-11-26. Review status: no assertion criteria provided. Collection method: clinical testing. Allele origin: germline. Not counted in ClinVar's aggregate classification.
Comment: This variant is classified as likely benign based on ACMG/AMP sequence variant interpretation guidelines (Richards et al. 2015 PMID: 25741868, with internal and published modifications).